The following is an entry in ClinVar:

ClinVar aggregate classification (germline): Uncertain significance (1 of 4 stars; one submission).

Allele frequency attached by ClinVar (database versions not stated): gnomAD exomes below 0.00001; TOPMed below 0.00001; gnomAD 0.00001.
gnomAD v4.1: 2 of 1,607,396 alleles (0.00012%); highest among the groups gnomAD compares: Admixed American, 0.0017%; no homozygotes.

Submission:

Labcorp Genetics (formerly Invitae), Labcorp
Classification: Uncertain significance. Last evaluated: 2022-03-28. Review status: criteria provided, single submitter. Criteria: Invitae Variant Classification Sherloc (09022015). Collection method: clinical testing. Allele origin: germline.
Comment: In summary, the available evidence is currently insufficient to determine the role of this variant in disease. Therefore, it has been classified as a Variant of Uncertain Significance. Variants that disrupt the consensus splice site are a relatively common cause of aberrant splicing (PMID: 17576681, 9536098). Algorithms developed to predict the effect of sequence changes on RNA splicing suggest that this variant may disrupt the consensus splice site. This variant has not been reported in the literature in individuals affected with C2CD3-related conditions. This variant is not present in population databases (gnomAD no frequency). This sequence change falls in intron 30 of the C2CD3 gene. It does not directly change the encoded amino acid sequence of the C2CD3 protein. It affects a nucleotide within the consensus splice site.

Literature cited by the submitters: PubMed 17576681; PubMed 9536098.

NM_001286577.2(C2CD3):c.5881+3A>G

Genes: C2CD3 (C2 domain containing 3 centriole elongation regulator; minus strand), LOC126861262 (CDK7 strongly-dependent group 2 enhancer GRCh37_chr11:73747696-73748895; plus strand). Cytogenetic location: 11q13.4.
Variant type: single nucleotide variant.
Coding change: c.5881+3A>G on transcript NM_001286577.2 (MANE Select); 3 bases into the intron after coding-DNA position 5881, A replaced by G.
Molecular consequence: intron variant.
Genome position (GRCh38, 1-based): chr11:74,037,475, T>C on the plus strand (A>G on the coding strand, the complement: C2CD3 is on the minus strand). VCF-style: chr11-74037475-T-C. GRCh37 (hg19) VCF-style: chr11-73748520-T-C.
Other names: c.5881+3A>G (NM_015531.6).
Identifiers: ClinVar variation 2118875 (VCV002118875.4), dbSNP rs1276575825, ClinGen allele CA680128443.